The following is an entry in ClinVar:

ClinVar aggregate classification (germline): Conflicting classifications of pathogenicity. Review status: criteria provided, conflicting classifications (1 of 4 stars). 4 submissions from 4 submitters: Uncertain significance (3); Likely benign (1). Last evaluated 2025-02-26.

Allele frequency attached by ClinVar (database versions not stated): ExAC 0.00001; gnomAD exomes 0.00001; gnomAD 0.00006; ESP Exome Variant Server 0.00008.
gnomAD v4.1: 17 of 1,593,910 alleles (0.0011%); highest among the groups gnomAD compares: Non-Finnish European, 0.0014%; no homozygotes.

Submissions (4):

Quest Diagnostics Nichols Institute San Juan Capistrano
Classification: Uncertain significance. Last evaluated: 2025-02-26. Review status: criteria provided, single submitter. Criteria: Quest Diagnostics criteria. Collection method: clinical testing. Allele origin: unknown.
Comment: The RECQL c.15A>G (p.Ser5=) synonymous variant has not been reported in individuals with RECQL-related conditions in the published literature. The frequency of this variant in the general population (Genome Aggregation Database) is uninformative in the assessment of its pathogenicity. Analysis of this variant using software algorithms for the prediction of the effect of nucleotide changes on splicing yielded predictions that this variant does not affect RECQL mRNA splicing. Based on the available information, we are unable to determine the clinical significance of this variant.

Labcorp Genetics (formerly Invitae), Labcorp
Classification: Uncertain significance. Last evaluated: 2024-05-07. Review status: criteria provided, single submitter. Criteria: Invitae Variant Classification Sherloc (09022015). Collection method: clinical testing. Allele origin: germline.
Comment: This sequence change affects codon 5 of the RECQL mRNA. It is a 'silent' change, meaning that it does not change the encoded amino acid sequence of the RECQL protein. It affects a nucleotide within the consensus splice site. This variant is present in population databases (rs149537312, gnomAD 0.002%). This variant has not been reported in the literature in individuals affected with RECQL-related conditions. ClinVar contains an entry for this variant (Variation ID: 1062061). Algorithms developed to predict the effect of sequence changes on RNA splicing suggest that this variant is not likely to affect RNA splicing. In summary, the available evidence is currently insufficient to determine the role of this variant in disease. Therefore, it has been classified as a Variant of Uncertain Significance.

Ambry Genetics
Classification: Likely benign. Last evaluated: 2022-03-04. Review status: criteria provided, single submitter. Criteria: Ambry Variant Classification Scheme 2023. Collection method: clinical testing. Allele origin: germline.

GeneDx
Classification: Uncertain significance. Last evaluated: 2021-10-21. Review status: criteria provided, single submitter. Criteria: GeneDx Variant Classification Process June 2021. Collection method: clinical testing. Allele origin: germline. Affected: yes.
Comment: Not observed at significant frequency in large population cohorts (Lek 2016); In silico analysis supports that this variant does not alter splicing; Has not been previously published as pathogenic or benign to our knowledge

NM_002907.4(RECQL):c.15A>G (p.Ser5=)

Gene: RECQL (RecQ like helicase; minus strand). Cytogenetic location: 12p12.1.
Variant type: single nucleotide variant.
Coding change: c.15A>G on transcript NM_002907.4 (MANE Select); coding-DNA position 15, A replaced by G.
Protein change: p.Ser5=; no amino-acid change (serine 5 retained).
Molecular consequence: synonymous variant.
Genome position (GRCh38, 1-based): chr12:21,499,556, T>C on the plus strand (A>G on the coding strand, the complement: RECQL is on the minus strand). VCF-style: chr12-21499556-T-C. GRCh37 (hg19) VCF-style: chr12-21652490-T-C.
Other names: c.15A>G, p.Ser5= (NM_032941.3).
Identifiers: ClinVar variation 1062061 (VCV001062061.13), dbSNP rs149537312, ClinGen allele CA6479236.